The following is an entry in ClinVar:

NM_004336.5(BUB1):c.2281T>G (p.Tyr761Asp)

Gene: BUB1 (BUB1 mitotic checkpoint serine/threonine kinase; minus strand). Cytogenetic location: 2q13.
Variant type: single nucleotide variant.
Coding change: c.2281T>G on transcript NM_004336.5 (MANE Select); coding-DNA position 2281, T replaced by G.
Protein change: p.Tyr761Asp; replaces tyrosine 761 with aspartic acid.
Molecular consequence: missense variant.
Genome position (GRCh38, 1-based): chr2:110,649,300, A>C on the plus strand (T>G on the coding strand, the complement: BUB1 is on the minus strand). VCF-style: chr2-110649300-A-C. GRCh37 (hg19) VCF-style: chr2-111406877-A-C.
Other names: c.2221T>G, p.Tyr741Asp (NM_001278616.2); c.2281T>G, p.Tyr761Asp (NM_001278617.2); short protein forms Y741D, Y761D.
Identifiers: ClinVar variation 3224040 (VCV003224040.1), dbSNP rs970391514, ClinGen allele CA348209499.

ClinVar aggregate classification (germline): Uncertain significance (1 of 4 stars; one submission).

Submission:

Ambry Genetics
Classification: Uncertain significance. Last evaluated: 2023-11-09. Review status: criteria provided, single submitter. Criteria: Ambry Variant Classification Scheme 2023. Collection method: clinical testing. Allele origin: germline.
Comment: The p.Y761D variant (also known as c.2281T>G), located in coding exon 19 of the BUB1 gene, results from a T to G substitution at nucleotide position 2281. The tyrosine at codon 761 is replaced by aspartic acid, an amino acid with highly dissimilar properties. This amino acid position is conserved. In addition, this alteration is predicted to be tolerated by in silico analysis. Since supporting evidence is limited at this time, the clinical significance of this alteration remains unclear.